The following is an entry in ClinVar:

ClinVar aggregate classification (germline): Uncertain significance. Review status: criteria provided, multiple submitters, no conflicts (2 of 4 stars). 3 submissions from 3 submitters: Uncertain significance (3). Last evaluated 2026-01-06.

Conditions:
Hyperkalemic periodic paralysis. Also called: Familial hyperkalemic periodic paralysis; Gamstorp disease. Identifiers: Orphanet 682, MedGen C0238357, MONDO:0008224, OMIM 170500, HP:0007215.

Allele frequency attached by ClinVar (database versions not stated): gnomAD exomes 0.00002; ExAC 0.00006; gnomAD 0.00006; TOPMed 0.00007.

Submissions (3):

Labcorp Genetics (formerly Invitae), Labcorp
Classification: Uncertain significance for Hyperkalemic periodic paralysis. Last evaluated: 2026-01-06. Review status: criteria provided, single submitter. Criteria: Invitae Variant Classification Sherloc (09022015). Collection method: clinical testing. Allele origin: germline.
Comment: This sequence change replaces arginine, which is basic and polar, with tryptophan, which is neutral and slightly polar, at codon 38 of the SCN4A protein (p.Arg38Trp). This variant is present in population databases (rs776201356, gnomAD 0.02%). This variant has not been reported in the literature in individuals affected with SCN4A-related conditions. ClinVar contains an entry for this variant (Variation ID: 2194812). Invitae Evidence Modeling of protein sequence and biophysical properties (such as structural, functional, and spatial information, amino acid conservation, physicochemical variation, residue mobility, and thermodynamic stability) indicates that this missense variant is not expected to disrupt SCN4A protein function with a negative predictive value of 95%. In summary, the available evidence is currently insufficient to determine the role of this variant in disease. Therefore, it has been classified as a Variant of Uncertain Significance.

GeneDx
Classification: Uncertain significance. Last evaluated: 2023-01-12. Review status: criteria provided, single submitter. Criteria: GeneDx Variant Classification Process June 2021. Collection method: clinical testing. Allele origin: germline. Affected: yes.
Comment: In silico analysis supports that this missense variant has a deleterious effect on protein structure/function; Has not been previously published as pathogenic or benign to our knowledge

Revvity Omics, Revvity
Classification: Uncertain significance. Last evaluated: 2019-04-26. Review status: criteria provided, single submitter. Criteria: ACMG Guidelines, 2015. Collection method: clinical testing. Allele origin: germline.

NM_000334.4(SCN4A):c.112C>T (p.Arg38Trp)

Gene: SCN4A (sodium voltage-gated channel alpha subunit 4; minus strand). Cytogenetic location: 17q23.3.
Variant type: single nucleotide variant.
Coding change: c.112C>T on transcript NM_000334.4 (MANE Select); coding-DNA position 112, C replaced by T.
Protein change: p.Arg38Trp; replaces arginine 38 with tryptophan.
Molecular consequence: missense variant.
Genome position (GRCh38, 1-based): chr17:63,972,730, G>A on the plus strand (C>T on the coding strand, the complement: SCN4A is on the minus strand). VCF-style: chr17-63972730-G-A. GRCh37 (hg19) VCF-style: chr17-62050090-G-A.
Other names: short protein forms R38W.
Identifiers: ClinVar variation 2194812 (VCV002194812.8), dbSNP rs776201356, ClinGen allele CA8710281.